The following is an entry in ClinVar:

ClinVar aggregate classification (germline): Uncertain significance (1 of 4 stars; one submission).

Conditions:
Dystonic disorder. Also called: Dystonia. Identifiers: MedGen C0013421, MONDO:0003441, HP:0001332.

Allele frequency attached by ClinVar (database versions not stated): TOPMed below 0.00001; gnomAD 0.00001 and 0.00003.

Submission:

Labcorp Genetics (formerly Invitae), Labcorp
Classification: Uncertain significance for Dystonic disorder. Last evaluated: 2021-08-30. Review status: criteria provided, single submitter. Criteria: Invitae Variant Classification Sherloc (09022015). Collection method: clinical testing. Allele origin: germline.
Comment: This sequence change replaces arginine with glutamine at codon 88 of the SPR protein (p.Arg88Gln). The arginine residue is highly conserved and there is a small physicochemical difference between arginine and glutamine. The frequency data for this variant in the population databases is considered unreliable, as metrics indicate insufficient coverage at this position in the ExAC database. This variant has not been reported in the literature in individuals affected with SPR-related conditions. Algorithms developed to predict the effect of missense changes on protein structure and function (SIFT, PolyPhen-2, Align-GVGD) all suggest that this variant is likely to be tolerated. In summary, the available evidence is currently insufficient to determine the role of this variant in disease. Therefore, it has been classified as a Variant of Uncertain Significance.

NM_003124.5(SPR):c.263G>A (p.Arg88Gln)

Gene: SPR (sepiapterin reductase; plus strand). Cytogenetic location: 2p13.2.
Variant type: single nucleotide variant.
Coding change: c.263G>A on transcript NM_003124.5 (MANE Select); coding-DNA position 263, G replaced by A.
Protein change: p.Arg88Gln; replaces arginine 88 with glutamine.
Molecular consequence: missense variant.
Genome position (GRCh38, 1-based): chr2:72,887,695, G>A. VCF-style: chr2-72887695-G-A. GRCh37 (hg19) VCF-style: chr2-73114824-G-A.
Other names: short protein forms R88Q.
Identifiers: ClinVar variation 1026444 (VCV001026444.6), dbSNP rs979284301, ClinGen allele CA49795660.
Genomic context (GRCh38, chr2:72,887,695, plus strand): 5'-CCGACCTGGGCGCCGAGGCCGGCTTGCAGCAGCTGCTCGGCGCCCTGCGCGAGCTCCCCC[G>A]GCCCAAGGGGCTGCAGCGACTGCTGCTTATCAACAACGCGGGTAAGACCCCGGGGCTGGA-3'
Protein context (NP_003115.1, residues 78-98): QLLGALRELP[Arg88Gln]PKGLQRLLLI